The following is an entry in ClinVar:

NM_000548.5(TSC2):c.2410T>C (p.Cys804Arg)

Gene: TSC2 (TSC complex subunit 2; plus strand). Cytogenetic location: 16p13.3.
Variant type: single nucleotide variant.
Coding change: c.2410T>C on transcript NM_000548.5 (MANE Select); coding-DNA position 2410, T replaced by C.
Protein change: p.Cys804Arg; replaces cysteine 804 with arginine.
Molecular consequence: missense variant.
Genome position (GRCh38, 1-based): chr16:2,074,254, T>C. VCF-style: chr16-2074254-T-C. GRCh37 (hg19) VCF-style: chr16-2124255-T-C.
Other names: p.C804R:TGC>CGC; c.2410T>C, p.Cys804Arg (NM_001077183.3, NM_001114382.3, NM_001363528.2 and 3 more transcripts); c.2299T>C, p.Cys767Arg (NM_001318827.2); c.2263T>C, p.Cys755Arg (NM_001318829.2); c.1810T>C, p.Cys604Arg (NM_001318831.2); c.2443T>C, p.Cys815Arg (NM_001318832.2); short protein forms C804R, C767R, C815R, C604R, C755R.
Identifiers: ClinVar variation 49725 (VCV000049725.17), dbSNP rs137853995, ClinGen allele CA017384.
Genomic context (GRCh38, chr16:2,074,254, plus strand): 5'-CTGCAGCGCGAGATGGTCTACTGCCTGGAGCAGGGCCTCATCCACCGCTGTGCCAGCCAG[T>C]GCGTCGTGGCCTTGTCCATCTGCAGCGTGGAGATGCCTGACATCATCATCAAGGCGCTGC-3'
Protein context (NP_000539.2, residues 794-814): QGLIHRCASQ[Cys804Arg]VVALSICSVE

ClinVar aggregate classification (germline): Pathogenic/Likely pathogenic. Review status: criteria provided, multiple submitters, no conflicts (2 of 4 stars). 5 submissions from 5 submitters: Pathogenic (3); Likely pathogenic (1). 1 of the submissions does not count toward it. Last evaluated 2024-02-23.

Conditions:
Tuberous sclerosis syndrome (TSC). Also called: Tuberous Sclerosis Complex; Tuberous sclerosis. Identifiers: Orphanet 805, MedGen C0041341, MONDO:0001734.
Tuberous sclerosis 2 (TSC2). Identifiers: Orphanet 805, MedGen C1860707, MONDO:0013199, OMIM 613254.

Submissions (5):

Labcorp Genetics (formerly Invitae), Labcorp
Classification: Pathogenic for Tuberous sclerosis 2. Last evaluated: 2024-02-23. Review status: criteria provided, single submitter. Criteria: Invitae Variant Classification Sherloc (09022015). Collection method: clinical testing. Allele origin: germline.
Comment: This sequence change replaces cysteine, which is neutral and slightly polar, with arginine, which is basic and polar, at codon 804 of the TSC2 protein (p.Cys804Arg). This variant is not present in population databases (gnomAD no frequency). This missense change has been observed in individual(s) with TSC2-related disease (PMID: 19747374, 21309039). In at least one individual the variant was observed to be de novo. ClinVar contains an entry for this variant (Variation ID: 49725). Advanced modeling of protein sequence and biophysical properties (such as structural, functional, and spatial information, amino acid conservation, physicochemical variation, residue mobility, and thermodynamic stability) performed at Invitae indicates that this missense variant is expected to disrupt TSC2 protein function with a positive predictive value of 95%. Experimental studies have shown that this missense change affects TSC2 function (PMID: 21309039). For these reasons, this variant has been classified as Pathogenic.

Athena Diagnostics
Classification: Pathogenic. Last evaluated: 2024-01-02. Review status: criteria provided, single submitter. Criteria: Athena Diagnostics Criteria. Collection method: clinical testing. Allele origin: unknown.
Comment: This variant has been identified in multiple individuals with clinical features associated with this gene, including at least one confirmed de novo case. This variant was not reported in large, multi-ethnic, general populations. Assessment of experimental evidence suggests this variant results in abnormal protein function. (PMID: 21309039)

GeneDx
Classification: Pathogenic. Last evaluated: 2022-04-25. Review status: criteria provided, single submitter. Criteria: GeneDx Variant Classification Process June 2021. Collection method: clinical testing. Allele origin: germline. Affected: yes.
Comment: Reported in individuals with tuberous sclerosis complex in published literature and in the Leiden Open-source Variation Database (LOVD) (Dombkowski et al., 2016; Fokkema et al., 2011); Published functional studies demonstrate a damaging effect: destabilized TSC1-TSC2 complex (Hoogeveen-Westerveld et al., 2011); In silico analysis supports that this missense variant has a deleterious effect on protein structure/function; Not observed at significant frequency in large population cohorts (gnomAD); This variant is associated with the following publications: (PMID: 32320828, 21309039, 19747374, 21520333, 25452577, 32410215, 29655203)

Genome-Nilou Lab
Classification: Likely pathogenic for Tuberous sclerosis 2. Last evaluated: 2021-11-07. Review status: criteria provided, single submitter. Criteria: ACMG Guidelines, 2015. Collection method: clinical testing. Allele origin: germline. Affected: no.

Tuberous sclerosis database (TSC2)
No classification provided. Condition: TSC. Review status: no classification provided. Criteria: Tuberous Sclerosis Database Assertion Criteria 2015. Collection method: curation. Allele origin: germline. Affected: yes. Not counted in ClinVar's aggregate classification.

Literature cited by the submitters: PubMed 19747374 (cited by Labcorp Genetics (formerly Invitae), Labcorp and Athena Diagnostics); PubMed 21309039 (cited by Labcorp Genetics (formerly Invitae), Labcorp and Athena Diagnostics); PubMed 36403551 (cited by Athena Diagnostics); PubMed 32410215 (cited by Athena Diagnostics); PubMed 29655203 (cited by Athena Diagnostics); PubMed 31440721 (cited by Athena Diagnostics).